The following is an entry in ClinVar:

ClinVar aggregate classification (germline): Uncertain significance (1 of 4 stars; one submission).

Conditions:
Autosomal recessive limb-girdle muscular dystrophy type R18 (LGMDR18). Also called: Autosomal recessive limb-girdle muscular dystrophy type 2S; Limb-girdle muscular dystrophy, type 2S; MUSCULAR DYSTROPHY, LIMB-GIRDLE, AUTOSOMAL RECESSIVE 18. Identifiers: Orphanet 369840, MedGen C4517996, MONDO:0014144, OMIM 615356.

Submission:

Labcorp Genetics (formerly Invitae), Labcorp
Classification: Uncertain significance for Autosomal recessive limb-girdle muscular dystrophy type R18. Last evaluated: 2022-08-20. Review status: criteria provided, single submitter. Criteria: Invitae Variant Classification Sherloc (09022015). Collection method: clinical testing. Allele origin: germline.
Comment: In summary, the available evidence is currently insufficient to determine the role of this variant in disease. Therefore, it has been classified as a Variant of Uncertain Significance. Algorithms developed to predict the effect of missense changes on protein structure and function output the following: SIFT: "Tolerated"; PolyPhen-2: "Possibly Damaging"; Align-GVGD: "Class C0". The methionine amino acid residue is found in multiple mammalian species, which suggests that this missense change does not adversely affect protein function. This sequence change replaces isoleucine, which is neutral and non-polar, with methionine, which is neutral and non-polar, at codon 264 of the TRAPPC11 protein (p.Ile264Met). This variant is not present in population databases (gnomAD no frequency). This variant has not been reported in the literature in individuals affected with TRAPPC11-related conditions.

NM_021942.6(TRAPPC11):c.792T>G (p.Ile264Met)

Gene: TRAPPC11 (trafficking protein particle complex subunit 11; plus strand). Cytogenetic location: 4q35.1.
Variant type: single nucleotide variant.
Coding change: c.792T>G on transcript NM_021942.6 (MANE Select); coding-DNA position 792, T replaced by G.
Protein change: p.Ile264Met; replaces isoleucine 264 with methionine.
Molecular consequence: missense variant.
Genome position (GRCh38, 1-based): chr4:183,677,515, T>G. VCF-style: chr4-183677515-T-G. GRCh37 (hg19) VCF-style: chr4-184598668-T-G.
Other names: c.792T>G, p.Ile264Met (NM_199053.3); short protein forms I264M.
Identifiers: ClinVar variation 1717023 (VCV001717023.6), dbSNP rs1735473416, ClinGen allele CA358861908.